The following is an entry in ClinVar:

NM_001365536.1(SCN9A):c.4951C>A (p.Leu1651Ile)

Genes: SCN9A (sodium voltage-gated channel alpha subunit 9; minus strand), SCN1A-AS1 (SCN1A and SCN9A antisense RNA 1; plus strand). Cytogenetic location: 2q24.3.
Variant type: single nucleotide variant.
Coding change: c.4951C>A on transcript NM_001365536.1 (MANE Select); coding-DNA position 4951, C replaced by A.
Protein change: p.Leu1651Ile; replaces leucine 1651 with isoleucine.
Molecular consequence: missense variant. On other transcripts: non-coding transcript variant (1).
Genome position (GRCh38, 1-based): chr2:166,199,688, G>T on the plus strand (C>A on the coding strand, the complement: SCN9A is on the minus strand). VCF-style: chr2-166199688-G-T. GRCh37 (hg19) VCF-style: chr2-167056198-G-T.
Other names: c.4918C>A, p.Leu1640Ile (NM_002977.4); short protein forms L1640I, L1651I.
Identifiers: ClinVar variation 858070 (VCV000858070.10), dbSNP rs1693387033, ClinGen allele CA349055059.

ClinVar aggregate classification (germline): Uncertain significance (1 of 4 stars; one submission).

Conditions:
Generalized epilepsy with febrile seizures plus, type 7 (GEFSP7). Also called: GEFS+, TYPE 7. Identifiers: Orphanet 36387, MedGen C2751778, MONDO:0013470, OMIM 613863.
Neuropathy, hereditary sensory and autonomic, type 2A (HSAN2A). Also called: WNK1-Related HSAN2 (HSAN2A); MORVAN DISEASE; NEUROPATHY, CONGENITAL SENSORY; NEUROPATHY, HEREDITARY SENSORY RADICULAR, AUTOSOMAL RECESSIVE; NEUROPATHY, HEREDITARY SENSORY, TYPE IIA; NEUROPATHY, PROGRESSIVE SENSORY, OF CHILDREN. Identifiers: Orphanet 970, MedGen C2752089, MONDO:0024309, OMIM 201300.

Submission:

Labcorp Genetics (formerly Invitae), Labcorp
Classification: Uncertain significance for Neuropathy, hereditary sensory and autonomic, type 2A; Generalized epilepsy with febrile seizures plus, type 7. Last evaluated: 2022-10-05. Review status: criteria provided, single submitter. Criteria: Invitae Variant Classification Sherloc (09022015). Collection method: clinical testing. Allele origin: germline.
Comment: In summary, the available evidence is currently insufficient to determine the role of this variant in disease. Therefore, it has been classified as a Variant of Uncertain Significance. Advanced modeling of protein sequence and biophysical properties (such as structural, functional, and spatial information, amino acid conservation, physicochemical variation, residue mobility, and thermodynamic stability) performed at Invitae indicates that this missense variant is not expected to disrupt SCN9A protein function. ClinVar contains an entry for this variant (Variation ID: 858070). This variant has not been reported in the literature in individuals affected with SCN9A-related conditions. This variant is not present in population databases (gnomAD no frequency). This sequence change replaces leucine, which is neutral and non-polar, with isoleucine, which is neutral and non-polar, at codon 1640 of the SCN9A protein (p.Leu1640Ile).